The following is an entry in ClinVar:

NM_001136018.4(EPHX1):c.1361G>A (p.Arg454Gln)

Genes: EPHX1 (epoxide hydrolase 1; plus strand), TMEM63A (transmembrane protein 63A; minus strand). Cytogenetic location: 1q42.12.
Variant type: single nucleotide variant.
Coding change: c.1361G>A on transcript NM_001136018.4 (MANE Select); coding-DNA position 1361, G replaced by A.
Protein change: p.Arg454Gln; replaces arginine 454 with glutamine.
Molecular consequence: missense variant. On other transcripts: non-coding transcript variant (4).
Genome position (GRCh38, 1-based): chr1:225,845,340, G>A. VCF-style: chr1-225845340-G-A. GRCh37 (hg19) VCF-style: chr1-226033041-G-A.
Other names: c.1361G>A, p.Arg454Gln (NM_000120.4, NM_001291163.2, NM_001378426.1 and 1 more transcripts); c.1334G>A, p.Arg445Gln (NM_001378428.1); c.1313G>A, p.Arg438Gln (NM_001378429.1, NM_001378430.1); c.1133G>A, p.Arg378Gln (NM_001378431.1); c.794G>A, p.Arg265Gln (NM_001378432.1); short protein forms R378Q, R445Q, R438Q, R265Q, R454Q.
Identifiers: ClinVar variation 4980492 (VCV004980492.1).
Genomic context (GRCh38, chr1:225,845,340, plus strand): 5'-CCTTTGAGGAGCCGGAGCTGCTCGCCCAGGACATCCGCAAGTTCCTGTCGGTGCTGGAGC[G>A]GCAATGACCCACCCCTCTCCCCCCGCCTGCCACCTCCCCCCACAAGTGCCCTCCAGGCTT-3'
Protein context (NP_001129490.1, residues 444-455): DIRKFLSVLE[Arg454Gln]Q

ClinVar aggregate classification (germline): Uncertain significance (1 of 4 stars; one submission).

Conditions:
EPHX1-related disorder. Also called: EPHX1-related condition.

gnomAD v4.1: 313 of 1,609,100 alleles (0.019%); highest among the groups gnomAD compares: Middle Eastern, 0.068%; no homozygotes.

Submission:

PreventionGenetics, part of Exact Sciences
Classification: Uncertain significance for EPHX1-related condition. Last evaluated: 2026-02-05. Review status: criteria provided, single submitter. Criteria: ACMG Guidelines, 2015. Collection method: clinical testing. Allele origin: germline.
Comment: The EPHX1 c.1361G>A variant is predicted to result in the amino acid substitution p.Arg454Gln. To our knowledge, this variant has not been reported in the literature. This variant is reported in 0.029% of alleles in individuals of European (Non-Finnish) descent in gnomAD. At this time, the clinical significance of this variant is uncertain due to the absence of conclusive functional and genetic evidence.